The following is an entry in ClinVar:

NM_001199107.2(TBC1D24):c.487G>T (p.Asp163Tyr)

Gene: TBC1D24 (TBC1 domain family member 24; plus strand). Cytogenetic location: 16p13.3.
Variant type: single nucleotide variant.
Coding change: c.487G>T on transcript NM_001199107.2 (MANE Select); coding-DNA position 487, G replaced by T.
Protein change: p.Asp163Tyr; replaces aspartic acid 163 with tyrosine.
Molecular consequence: missense variant.
Genome position (GRCh38, 1-based): chr16:2,496,635, G>T. VCF-style: chr16-2496635-G-T. GRCh37 (hg19) VCF-style: chr16-2546636-G-T.
Other names: c.487G>T, p.Asp163Tyr (NM_020705.3); short protein forms D163Y.
Identifiers: ClinVar variation 2922101 (VCV002922101.3), dbSNP rs2505514319, ClinGen allele CA394376217.
Genomic context (GRCh38, chr16:2,496,635, plus strand): 5'-CACTACAGCATCGACGAGGCCGAGTGCTTCGAGAAGGCCTGCCGCATCCTGGCCTGCAAT[G>T]ACCCCGGCAGGAGGCTGATCGACCAGAGCTTCCTGGCCTTTGAGTCGTCCTGCATGACGT-3'
Protein context (NP_001186036.1, residues 153-173): EKACRILACN[Asp163Tyr]PGRRLIDQSF

ClinVar aggregate classification (germline): Uncertain significance (1 of 4 stars; one submission).

Conditions:
Autosomal dominant nonsyndromic hearing loss 65. Also called: Deafness, autosomal dominant 65; TBC1D24-Related Autosomal Dominant Nonsyndromic Hearing Loss (DFNA). Identifiers: Orphanet 90635, MedGen C3892048, MONDO:0014470, OMIM 616044.
Developmental and epileptic encephalopathy, 1 (DEE1). Also called: INFANTILE SPASM SYNDROME, X-LINKED 1; X-linked infantile spasms; West's syndrome; Tonic spasms with clustering, arrest of psychomotor development and hypsarrhythmia on EEG; X-Linked Infantile Spasm Syndrome; OHTAHARA SYNDROME, X-LINKED. Identifiers: MedGen C3463992, MONDO:0010632, OMIM 308350. Disease mechanism: loss of function.

Submission:

Labcorp Genetics (formerly Invitae), Labcorp
Classification: Uncertain significance for Developmental and epileptic encephalopathy, 1; Autosomal dominant nonsyndromic hearing loss 65. Last evaluated: 2024-08-05. Review status: criteria provided, single submitter. Criteria: Invitae Variant Classification Sherloc (09022015). Collection method: clinical testing. Allele origin: germline.
Comment: This sequence change replaces aspartic acid, which is acidic and polar, with tyrosine, which is neutral and polar, at codon 163 of the TBC1D24 protein (p.Asp163Tyr). This variant is not present in population databases (gnomAD no frequency). This variant has not been reported in the literature in individuals affected with TBC1D24-related conditions. Advanced modeling of protein sequence and biophysical properties (such as structural, functional, and spatial information, amino acid conservation, physicochemical variation, residue mobility, and thermodynamic stability) performed at Invitae indicates that this missense variant is not expected to disrupt TBC1D24 protein function with a negative predictive value of 80%. In summary, the available evidence is currently insufficient to determine the role of this variant in disease. Therefore, it has been classified as a Variant of Uncertain Significance.